The following is an entry in ClinVar:

NM_000545.8(HNF1A):c.751G>A (p.Ala251Thr)

Gene: HNF1A (HNF1 homeobox A; plus strand). Cytogenetic location: 12q24.31.
Variant type: single nucleotide variant.
Coding change: c.751G>A on transcript NM_000545.8 (MANE Select); coding-DNA position 751, G replaced by A.
Protein change: p.Ala251Thr; replaces alanine 251 with threonine.
Molecular consequence: missense variant.
Genome position (GRCh38, 1-based): chr12:120,994,201, G>A. VCF-style: chr12-120994201-G-A. GRCh37 (hg19) VCF-style: chr12-121432004-G-A.
Other names: c.751G>A, p.Ala251Thr (NM_001306179.2, NM_001406915.1); c.751G>A (NM_000545.6); short protein forms A251T.
Identifiers: ClinVar variation 3252774 (VCV003252774.4), dbSNP rs1876968297.

ClinVar aggregate classification (germline): Pathogenic/Likely pathogenic. Review status: criteria provided, multiple submitters, no conflicts (2 of 4 stars). 3 submissions from 3 submitters: Pathogenic (1); Likely pathogenic (1). 1 of the submissions does not count toward it. Last evaluated 2025-04-15.

Conditions:
HNF1A-related disorders.
HNF1A-related disorder. Also called: HNF1A-related condition.

Allele frequency attached by ClinVar (database versions not stated): TOPMed below 0.00001; gnomAD 0.00001.
gnomAD v4.1: 1 of 1,613,524 alleles (0.000062%); highest among the groups gnomAD compares: Non-Finnish European, 0.000085%; no homozygotes.

Submissions (3):

GeneDx
Classification: Likely pathogenic. Last evaluated: 2025-04-15. Review status: criteria provided, single submitter. Criteria: GeneDx Variant Classification Process June 2021. Collection method: clinical testing. Allele origin: germline.
Comment: Not observed at significant frequency in large population cohorts (gnomAD); In silico analysis indicates that this missense variant does not alter protein structure/function; This variant is associated with the following publications: (PMID: 32001615, 23274891, 29666556, 30455330, 39711726, 34440499)

Blueprint Genetics
Classification: Pathogenic for HNF1A-related disorders. Last evaluated: 2024-07-22. Review status: criteria provided, single submitter. Criteria: ACMG Guidelines, 2015. Collection method: clinical testing. Allele origin: germline. Affected: yes. Observed: 1 variant allele.

PreventionGenetics, part of Exact Sciences
Classification: Likely pathogenic for HNF1A-related condition. Last evaluated: 2024-09-25. Review status: no assertion criteria provided. Collection method: clinical testing. Allele origin: germline. Not counted in ClinVar's aggregate classification.
Comment: The HNF1A c.751G>A variant is predicted to result in the amino acid substitution p.Ala251Thr. This variant has been reported in the heterozygous state in multiple individuals with maturity-onset diabetes of the young (MODY) (Thanabalasingham et al. 2013. PubMed ID: 23274891; Pavić et al. 2018. PubMed ID: 29666556). This variant has not been reported in a large population database, indicating this variant is rare. This variant is interpreted as likely pathogenic.